The following is an entry in ClinVar:

NM_194248.3(OTOF):c.1285C>T (p.Leu429=)

Gene: OTOF (otoferlin; minus strand). Cytogenetic location: 2p23.3.
Variant type: single nucleotide variant.
Coding change: c.1285C>T on transcript NM_194248.3 (MANE Select); coding-DNA position 1285, C replaced by T.
Protein change: p.Leu429=; no amino-acid change (leucine 429 retained).
Molecular consequence: synonymous variant.
Genome position (GRCh38, 1-based): chr2:26,483,569, G>A on the plus strand (C>T on the coding strand, the complement: OTOF is on the minus strand). VCF-style: chr2-26483569-G-A. GRCh37 (hg19) VCF-style: chr2-26706437-G-A.
Other names: c.1285C>T, p.Leu429= (NM_001287489.2).
Identifiers: ClinVar variation 2978673 (VCV002978673.4), dbSNP rs776374276, ClinGen allele CA1564319.
Genomic context (GRCh38, chr2:26,483,569, plus strand): 5'-TGTTTTCACCGATGAAAGCCTTCTTTACATTGGCCATGAGGCTTGTGTTCATACGGGGCA[G>A]CCCCTCTGCTCGGTAAATTTTCACATAGAACCGGGCCCACTGGCGTTCGGGGGGCACCCC-3'
Protein context (NP_919224.1, residues 419-439): FYVKIYRAEG[Leu429=]PRMNTSLMAN

ClinVar aggregate classification (germline): Conflicting classifications of pathogenicity. Review status: criteria provided, conflicting classifications (1 of 4 stars). 2 submissions from 2 submitters: Uncertain significance (1); Likely benign (1). Last evaluated 2025-06-03.

Allele frequency attached by ClinVar (database versions not stated): gnomAD exomes below 0.00001; TOPMed 0.00001; ExAC 0.00001.
gnomAD v4.1: 2 of 1,613,956 alleles (0.00012%); highest among the groups gnomAD compares: Non-Finnish European, 0.00017%; no homozygotes.

Submissions (2):

Labcorp Genetics (formerly Invitae), Labcorp
Classification: Likely benign. Last evaluated: 2025-06-03. Review status: criteria provided, single submitter. Criteria: Invitae Variant Classification Sherloc (09022015). Collection method: clinical testing. Allele origin: germline.

GeneDx
Classification: Uncertain significance. Last evaluated: 2024-06-26. Review status: criteria provided, single submitter. Criteria: GeneDx Variant Classification Process June 2021. Collection method: clinical testing. Allele origin: germline. Affected: yes.
Comment: Not observed at significant frequency in large population cohorts (gnomAD); In silico analysis indicates that this variant does not alter splicing; Has not been previously published as pathogenic or benign to our knowledge